The following is an entry in ClinVar:

NM_000302.4(PLOD1):c.224G>A (p.Gly75Glu)

Gene: PLOD1 (procollagen-lysine,2-oxoglutarate 5-dioxygenase 1; plus strand). Cytogenetic location: 1p36.22.
Variant type: single nucleotide variant.
Coding change: c.224G>A on transcript NM_000302.4 (MANE Select); coding-DNA position 224, G replaced by A.
Protein change: p.Gly75Glu; replaces glycine 75 with glutamic acid.
Molecular consequence: missense variant.
Genome position (GRCh38, 1-based): chr1:11,949,828, G>A. VCF-style: chr1-11949828-G-A. GRCh37 (hg19) VCF-style: chr1-12009885-G-A.
Other names: c.224G>A (NM_000302.3); c.365G>A, p.Gly122Glu (NM_001316320.2); short protein forms G122E, G75E.
Identifiers: ClinVar variation 2132988 (VCV002132988.5), dbSNP rs2522805060, ClinGen allele CA338426278.
Genomic context (GRCh38, chr1:11,949,828, plus strand): 5'-TCCAGGCGCTTGGCCTAGGGGAGGACTGGAATGTGGAGAAGGGGACGTCGGCAGGTGGAG[G>A]GCAGAAGGTCCGGCTGCTGAAGAAAGCTCTGGAGAAGCACGCAGACAAGGAGGATCTGGT-3'
Protein context (NP_000293.2, residues 65-85): NVEKGTSAGG[Gly75Glu]QKVRLLKKAL

ClinVar aggregate classification (germline): Uncertain significance. Review status: criteria provided, multiple submitters, no conflicts (2 of 4 stars). 2 submissions from 2 submitters: Uncertain significance (2). Last evaluated 2025-03-23.

Conditions:
Familial thoracic aortic aneurysm and aortic dissection (TAAD). Also called: Thoracic aortic aneurysms and dissections. Identifiers: Orphanet 91387, MedGen C4707243, MONDO:0019625.
Ehlers-Danlos syndrome, kyphoscoliotic type 1 (EDSKSCL1). Also called: EHLERS-DANLOS SYNDROME, TYPE VIA; Ehlers-Danlos syndrome, hydroxylysine-deficient; PLOD1-Related Kyphoscoliotic Ehlers-Danlos Syndrome; EHLERS-DANLOS SYNDROME, OCULAR-SCOLIOTIC TYPE. Identifiers: Orphanet 1900, MedGen C0268342, MONDO:0016002, OMIM 225400. Disease mechanism: loss of function.

Submissions (2):

Ambry Genetics
Classification: Uncertain significance for Familial thoracic aortic aneurysm and aortic dissection. Last evaluated: 2025-03-23. Review status: criteria provided, single submitter. Criteria: Ambry Variant Classification Scheme 2023. Collection method: clinical testing. Allele origin: germline.
Comment: The p.G75E variant (also known as c.224G>A), located in coding exon 3 of the PLOD1 gene, results from a G to A substitution at nucleotide position 224. The glycine at codon 75 is replaced by glutamic acid, an amino acid with similar properties. This amino acid position is conserved. In addition, this alteration is predicted to be deleterious by in silico analysis. Based on the available evidence, the clinical significance of this variant remains unclear.

Labcorp Genetics (formerly Invitae), Labcorp
Classification: Uncertain significance for Ehlers-Danlos syndrome, kyphoscoliotic type 1. Last evaluated: 2022-05-02. Review status: criteria provided, single submitter. Criteria: Invitae Variant Classification Sherloc (09022015). Collection method: clinical testing. Allele origin: germline.
Comment: Algorithms developed to predict the effect of missense changes on protein structure and function (SIFT, PolyPhen-2, Align-GVGD) all suggest that this variant is likely to be disruptive. This variant has not been reported in the literature in individuals affected with PLOD1-related conditions. This variant is not present in population databases (gnomAD no frequency). This sequence change replaces glycine, which is neutral and non-polar, with glutamic acid, which is acidic and polar, at codon 75 of the PLOD1 protein (p.Gly75Glu). In summary, the available evidence is currently insufficient to determine the role of this variant in disease. Therefore, it has been classified as a Variant of Uncertain Significance.